The following is an entry in ClinVar:

ClinVar aggregate classification (germline): Pathogenic (1 of 4 stars; one submission).

Conditions:
Joubert syndrome. Also called: CEREBELLOPARENCHYMAL DISORDER IV; JOUBERT-BOLTSHAUSER SYNDROME; Familial aplasia of the vermis. Identifiers: Orphanet 475, MedGen C5979921, MONDO:0018772.
Nephronophthisis. Also called: Juvenile Nephronophthisis. Identifiers: Orphanet 655, MedGen C0687120, MONDO:0019005, HP:0000090.
Meckel-Gruber syndrome. Also called: DYSENCEPHALIA SPLANCHNOCYSTICA; GRUBER SYNDROME; Dysencephalia splachnocystica. Identifiers: Orphanet 564, MedGen C0265215, MONDO:0018921.

Submission:

Labcorp Genetics (formerly Invitae), Labcorp
Classification: Pathogenic for Joubert syndrome; Meckel-Gruber syndrome; Nephronophthisis. Last evaluated: 2024-01-02. Review status: criteria provided, single submitter. Criteria: Invitae Variant Classification Sherloc (09022015). Collection method: clinical testing. Allele origin: germline.
Comment: This sequence change creates a premature translational stop signal (p.Leu194Phefs*9) in the CEP290 gene. It is expected to result in an absent or disrupted protein product. Loss-of-function variants in CEP290 are known to be pathogenic (PMID: 16909394, 17345604, 20690115). This variant is not present in population databases (gnomAD no frequency). This variant has not been reported in the literature in individuals affected with CEP290-related conditions. For these reasons, this variant has been classified as Pathogenic.

Literature cited by the submitters: PubMed 16909394; PubMed 17345604; PubMed 20690115.

NM_025114.4(CEP290):c.579_580del (p.Leu194fs)

Gene: CEP290 (centrosomal protein 290; minus strand). Cytogenetic location: 12q21.32.
Variant type: Microsatellite.
Coding change: c.579_580del on transcript NM_025114.4 (MANE Select); coding-DNA positions 579 to 580, 2 bases deleted (AC; older notation c.579_580delAC).
Protein change: p.Leu194fs; shifts the reading frame from leucine 194.
Molecular consequence: frameshift variant.
Genome position (GRCh38, 1-based): chr12:88,130,357-88,130,358, GT deleted on the plus strand (AC on the coding strand, the reverse complement: CEP290 is on the minus strand); deleting any 2 consecutive bases within chr12:88,130,357-88,130,360 gives the same sequence; the c. name uses the placement nearest the transcript's 3' end. VCF-style (leftmost placement, unchanged base first): chr12-88130356-AGT-A. GRCh37 (hg19) VCF-style: chr12-88524133-AGT-A.
Other names: short protein forms L194fs.
Identifiers: ClinVar variation 2921888 (VCV002921888.3), dbSNP rs2501502939, ClinGen allele CA2740092528.